The following is an entry in ClinVar:

ClinVar aggregate classification (germline): Uncertain significance (1 of 4 stars; one submission).

Conditions:
Lynch syndrome. Identifiers: Orphanet 144, MedGen C4552100, MONDO:0005835. Disease mechanism: loss of function.

Submission:

Labcorp Genetics (formerly Invitae), Labcorp
Classification: Uncertain significance for Hereditary nonpolyposis colorectal neoplasms. Last evaluated: 2016-11-09. Review status: criteria provided, single submitter. Criteria: Invitae Variant Classification Sherloc (09022015). Collection method: clinical testing. Allele origin: germline.
Comment: This variant is a gross duplication of the genomic region encompassing exon 1 of the MSH6 gene. The 5' end of this event is unknown as it extends beyond the assayed region for this gene and therefore may encompass additional genes. The 3' boundary is likely confined to intron 1 of the MSH6 gene. Experimental studies and prediction algorithms are not available for this variant, and the functional significance of the duplicated amino acids is currently unknown. In summary, the exact genomic location of this variant is unknown and the impact of this duplication on MSH6 protein function has not been established. Therefore, it has been classified as a Variant of Uncertain Significance.

NC_000002.11:g.(?_48010221)_(48010632_?)dup

Genes: MSH6 (mutS homolog 6; plus strand), LOC129933706 (ATAC-STARR-seq lymphoblastoid silent region 11467; plus strand), LOC129933707 (ATAC-STARR-seq lymphoblastoid silent region 11468; plus strand). Cytogenetic location: 2p16.3.
Variant type: Duplication.
Identifiers: ClinVar variation 417522 (VCV000417522.1).